The following is an entry in ClinVar:

NM_020806.5(GPHN):c.931C>T (p.Arg311Cys)

Gene: GPHN (gephyrin; plus strand). Cytogenetic location: 14q23.3.
Variant type: single nucleotide variant.
Coding change: c.931C>T on transcript NM_020806.5 (MANE Select); coding-DNA position 931, C replaced by T.
Protein change: p.Arg311Cys; replaces arginine 311 with cysteine.
Molecular consequence: missense variant.
Genome position (GRCh38, 1-based): chr14:66,965,293, C>T. VCF-style: chr14-66965293-C-T. GRCh37 (hg19) VCF-style: chr14-67432010-C-T.
Other names: c.832C>T, p.Arg278Cys (NM_001024218.2, NM_001377515.1, NM_001377516.1 and 2 more transcripts); c.871C>T, p.Arg291Cys (NM_001377514.1, NM_001377519.1); short protein forms R291C, R278C, R311C.
Identifiers: ClinVar variation 860759 (VCV000860759.10), dbSNP rs779545541, ClinGen allele CA7233872.

ClinVar aggregate classification (germline): Uncertain significance (1 of 4 stars; one submission).

Conditions:
Sulfite oxidase deficiency due to molybdenum cofactor deficiency type C. Also called: Molybdenum cofactor deficiency C; Molybdenum cofactor deficiency, complementation group C. Identifiers: Orphanet 308400, Orphanet 833, MedGen C1854990, MONDO:0014212, OMIM 615501.

Allele frequency attached by ClinVar (database versions not stated): gnomAD exomes below 0.00001; TOPMed below 0.00001; ExAC 0.00001; 1000 Genomes Project 30x 0.00016.

Submission:

Labcorp Genetics (formerly Invitae), Labcorp
Classification: Uncertain significance for Sulfite oxidase deficiency due to molybdenum cofactor deficiency type C. Last evaluated: 2026-01-26. Review status: criteria provided, single submitter. Criteria: Invitae Variant Classification Sherloc (09022015). Collection method: clinical testing. Allele origin: germline.
Comment: This sequence change replaces arginine, which is basic and polar, with cysteine, which is neutral and slightly polar, at codon 311 of the GPHN protein (p.Arg311Cys). This variant is present in population databases (rs779545541, gnomAD 0.0009%). This variant has not been reported in the literature in individuals affected with GPHN-related conditions. ClinVar contains an entry for this variant (Variation ID: 860759). An algorithm developed to predict the effect of missense changes on protein structure and function (PolyPhen-2) suggests that this variant is likely to be disruptive. In summary, the available evidence is currently insufficient to determine the role of this variant in disease. Therefore, it has been classified as a Variant of Uncertain Significance.